The following is an entry in ClinVar:

ClinVar aggregate classification (germline): Uncertain significance (1 of 4 stars; one submission).

gnomAD v4.1: 5 of 1,613,194 alleles (0.00031%); highest among the groups gnomAD compares: Admixed American, 0.0084%; no homozygotes.

Submission:

Labcorp Genetics (formerly Invitae), Labcorp
Classification: Uncertain significance. Last evaluated: 2024-11-18. Review status: criteria provided, single submitter. Criteria: Invitae Variant Classification Sherloc (09022015). Collection method: clinical testing. Allele origin: germline.
Comment: This sequence change replaces proline, which is neutral and non-polar, with serine, which is neutral and polar, at codon 687 of the NYNRIN protein (p.Pro687Ser). This variant is present in population databases (rs756203827, gnomAD 0.01%). This variant has not been reported in the literature in individuals affected with NYNRIN-related conditions. An algorithm developed to predict the effect of missense changes on protein structure and function outputs the following: PolyPhen-2: "Not Available". The serine amino acid residue is found in multiple mammalian species, which suggests that this missense change does not adversely affect protein function. In summary, the available evidence is currently insufficient to determine the role of this variant in disease. Therefore, it has been classified as a Variant of Uncertain Significance.

NM_025081.3(NYNRIN):c.2059C>T (p.Pro687Ser)

Gene: NYNRIN (NYN domain and retroviral integrase containing; plus strand). Cytogenetic location: 14q12.
Variant type: single nucleotide variant.
Coding change: c.2059C>T on transcript NM_025081.3 (MANE Select); coding-DNA position 2059, C replaced by T.
Protein change: p.Pro687Ser; replaces proline 687 with serine.
Molecular consequence: missense variant.
Genome position (GRCh38, 1-based): chr14:24,409,853, C>T. VCF-style: chr14-24409853-C-T. GRCh37 (hg19) VCF-style: chr14-24879059-C-T.
Other names: short protein forms P687S.
Identifiers: ClinVar variation 3640491 (VCV003640491.2).